The following is an entry in ClinVar:

ClinVar aggregate classification (germline): Likely pathogenic (1 of 4 stars; one submission).

Submission:

Labcorp Genetics (formerly Invitae), Labcorp
Classification: Likely pathogenic. Last evaluated: 2022-03-10. Review status: criteria provided, single submitter. Criteria: Invitae Variant Classification Sherloc (09022015). Collection method: clinical testing. Allele origin: germline.
Comment: Advanced modeling of protein sequence and biophysical properties (such as structural, functional, and spatial information, amino acid conservation, physicochemical variation, residue mobility, and thermodynamic stability) performed at Invitae indicates that this missense variant is expected to disrupt ABCA4 protein function. In summary, the currently available evidence indicates that the variant is pathogenic, but additional data are needed to prove that conclusively. Therefore, this variant has been classified as Likely Pathogenic. This variant disrupts the p.Glu2096 amino acid residue in ABCA4. Other variant(s) that disrupt this residue have been determined to be pathogenic (PMID: 11017087, 11726554, 29925512). This suggests that this residue is clinically significant, and that variants that disrupt this residue are likely to be disease-causing. This variant has not been reported in the literature in individuals affected with ABCA4-related conditions. This variant is not present in population databases (gnomAD no frequency). This sequence change replaces glutamic acid, which is acidic and polar, with aspartic acid, which is acidic and polar, at codon 2096 of the ABCA4 protein (p.Glu2096Asp).

Literature cited by the submitters: PubMed 11017087; PubMed 11726554; PubMed 29925512.

NM_000350.3(ABCA4):c.6288G>C (p.Glu2096Asp)

Gene: ABCA4 (ATP binding cassette subfamily A member 4; minus strand). Cytogenetic location: 1p22.1.
Variant type: single nucleotide variant.
Coding change: c.6288G>C on transcript NM_000350.3 (MANE Select); coding-DNA position 6288, G replaced by C.
Protein change: p.Glu2096Asp; replaces glutamic acid 2096 with aspartic acid.
Molecular consequence: missense variant.
Genome position (GRCh38, 1-based): chr1:94,001,100, C>G on the plus strand (G>C on the coding strand, the complement: ABCA4 is on the minus strand). VCF-style: chr1-94001100-C-G. GRCh37 (hg19) VCF-style: chr1-94466656-C-G.
Other names: c.6066G>C, p.Glu2022Asp (NM_001425324.1); short protein forms E2096D, E2022D.
Identifiers: ClinVar variation 1348162 (VCV001348162.8), dbSNP rs2100994099, ClinGen allele CA341277626.